The following is an entry in ClinVar:

ClinVar aggregate classification (germline): Pathogenic/Likely pathogenic. Review status: criteria provided, multiple submitters, no conflicts (2 of 4 stars). 2 submissions from 2 submitters: Pathogenic (1); Likely pathogenic (1). Last evaluated 2024-01-09.

Conditions:
Mitochondrial complex IV deficiency, nuclear type 8. Also called: Mitochondrial complex 4 deficiency, nuclear type 8. Identifiers: MedGen C5436689, MONDO:0033638, OMIM 619052.

Submissions (2):

Labcorp Genetics (formerly Invitae), Labcorp
Classification: Likely pathogenic. Last evaluated: 2024-01-09. Review status: criteria provided, single submitter. Criteria: Invitae Variant Classification Sherloc (09022015). Collection method: clinical testing. Allele origin: germline.
Comment: This sequence change affects a donor splice site in intron 1 of the TACO1 gene. It is expected to disrupt RNA splicing. Variants that disrupt the donor or acceptor splice site typically lead to a loss of protein function (PMID: 16199547), and loss-of-function variants in TACO1 are known to be pathogenic (PMID: 19503089, 25044680). This variant is not present in population databases (gnomAD no frequency). This variant has not been reported in the literature in individuals affected with TACO1-related conditions. ClinVar contains an entry for this variant (Variation ID: 2443079). Algorithms developed to predict the effect of sequence changes on RNA splicing suggest that this variant may disrupt the consensus splice site. In summary, the currently available evidence indicates that the variant is pathogenic, but additional data are needed to prove that conclusively. Therefore, this variant has been classified as Likely Pathogenic.

Center for Human Genetics and Genomic Medicine, Uniklinik Rwth Aachen
Classification: Pathogenic for Mitochondrial complex IV deficiency, nuclear type 8. Last evaluated: 2023-02-23. Review status: criteria provided, single submitter. Criteria: ACMG Guidelines, 2015. Collection method: clinical testing. Allele origin: inherited. Inheritance: Autosomal recessive inheritance. Affected: yes. Observed: 1 homozygote.
Comment: The variant is not listed in control collectives (gnomAD) (as of February 23, 2023). To our knowledge, it has not yet been described in the literature (as of February 23, 2023). It affects the canonical splice site and thus most likely leads to altered splicing and consequently to the loss of function of the corresponding protein. (Splice AI). Bioinformatically, the change is classified as disease-causing (CADDphred 35). According to the current state of knowledge, the variant can be classified as a "pathogenic variant" (ACMG criteria).

Literature cited by the submitters: PubMed 16199547 (cited by Labcorp Genetics (formerly Invitae), Labcorp); PubMed 19503089 (cited by Labcorp Genetics (formerly Invitae), Labcorp); PubMed 25044680 (cited by Labcorp Genetics (formerly Invitae), Labcorp).

NM_016360.4(TACO1):c.280+1G>C

Gene: TACO1 (translational activator of cytochrome c oxidase I; plus strand). Cytogenetic location: 17q23.3.
Variant type: single nucleotide variant.
Coding change: c.280+1G>C on transcript NM_016360.4 (MANE Select); the canonical splice donor site of the intron after coding-DNA position 280, G replaced by C.
Molecular consequence: splice donor variant.
Genome position (GRCh38, 1-based): chr17:63,601,364, G>C. VCF-style: chr17-63601364-G-C. GRCh37 (hg19) VCF-style: chr17-61678723-G-C.
Identifiers: ClinVar variation 2443079 (VCV002443079.5), dbSNP rs2510878653, ClinGen allele CA400549529.